The following is an entry in ClinVar:

ClinVar aggregate classification (germline): Likely benign. Review status: reviewed by expert panel (3 of 4 stars). 8 submissions from 8 submitters: Likely benign (1). 7 of the submissions do not count toward it. Last evaluated 2017-06-29.

Conditions:
Hereditary breast ovarian cancer syndrome. Also called: Hereditary breast and ovarian cancer; Hereditary breast and ovarian cancer syndrome; Breast and ovarian cancer; Hereditary breast and ovarian cancer syndrome (HBOC); Hereditary breast and/or ovarian cancer syndrome; BRCA1- and BRCA2-Associated Hereditary Breast and Ovarian Cancer. Identifiers: Orphanet 145, MedGen C0677776, MeSH D061325, MONDO:0003582. Disease mechanism: loss of function.
Hereditary cancer-predisposing syndrome. Also called: Hereditary Cancer Syndrome; Neoplastic Syndromes, Hereditary; Tumor predisposition; Hereditary neoplastic syndrome. Identifiers: Orphanet 140162, MedGen C0027672, MeSH D009386, MONDO:0015356.
Breast-ovarian cancer, familial, susceptibility to, 2 (BROVCA2). Also called: BRCA2 Hereditary Breast and Ovarian Cancer. Identifiers: Orphanet 145, MedGen C2675520, MONDO:0012933, OMIM 612555. Disease mechanism: loss of function.
Familial cancer of breast. Also called: BREAST CANCER, FAMILIAL; Hereditary breast cancer; hereditary breast carcinoma. Identifiers: Orphanet 227535, MedGen C0346153, MONDO:0016419, OMIM 114480. Disease mechanism: loss of function.

Allele frequency attached by ClinVar (database versions not stated): gnomAD exomes below 0.00001 and 0.00001; gnomAD 0.00001; TOPMed 0.00002.
gnomAD v4.1: 4 of 1,613,590 alleles (0.00025%); highest among the groups gnomAD compares: Non-Finnish European, 0.00034%; no homozygotes.

Submissions (8):

Evidence-based Network for the Interpretation of Germline Mutant Alleles (ENIGMA)
Classification: Likely benign for Breast-ovarian cancer, familial, susceptibility to, 2. Last evaluated: 2017-06-29. Review status: reviewed by expert panel. Criteria: ENIGMA BRCA1/2 Classification Criteria (2017-06-29). Collection method: curation. Allele origin: germline.
Comment: Synonymous substitution variant, with low bioinformatic likelihood to result in a splicing aberration (Splicing prior probability 0.02).

Labcorp Genetics (formerly Invitae), Labcorp
Classification: Likely benign for Hereditary breast ovarian cancer syndrome. Last evaluated: 2025-11-05. Review status: criteria provided, single submitter. Criteria: Invitae Variant Classification Sherloc (09022015). Collection method: clinical testing. Allele origin: germline. Not counted in ClinVar's aggregate classification.

KCCC/NGS Laboratory, Kuwait Cancer Control Center
Classification: Benign for Familial cancer of breast. Last evaluated: 2025-02-01. Review status: criteria provided, single submitter. Criteria: ACMG Guidelines, 2015. Collection method: clinical testing. Allele origin: germline. Affected: no. Not counted in ClinVar's aggregate classification.

Quest Diagnostics Nichols Institute San Juan Capistrano
Classification: Likely benign. Last evaluated: 2023-01-25. Review status: criteria provided, single submitter. Criteria: Quest Diagnostics criteria. Collection method: clinical testing. Allele origin: unknown. Not counted in ClinVar's aggregate classification.

Department of Pathology and Laboratory Medicine, Sinai Health System
Classification: Likely benign for Familial cancer of breast; Breast-ovarian cancer, familial, susceptibility to, 2. Last evaluated: 2019-12-12. Review status: criteria provided, single submitter. Criteria: ACMG Guidelines, 2015. Collection method: clinical testing. Allele origin: germline. Affected: yes. Not counted in ClinVar's aggregate classification.

GeneDx
Classification: Likely benign. Last evaluated: 2017-05-19. Review status: criteria provided, single submitter. Criteria: GeneDx Variant Classification (06012015). Collection method: clinical testing. Allele origin: germline. Affected: yes. Not counted in ClinVar's aggregate classification.
Comment: This variant is considered likely benign or benign based on one or more of the following criteria: it is a conservative change, it occurs at a poorly conserved position in the protein, it is predicted to be benign by multiple in silico algorithms, and/or has population frequency not consistent with disease.

Color Diagnostics, LLC DBA Color Health
Classification: Likely benign for Hereditary cancer-predisposing syndrome. Last evaluated: 2017-03-20. Review status: criteria provided, single submitter. Criteria: ACMG Guidelines, 2015. Collection method: clinical testing. Allele origin: germline. Not counted in ClinVar's aggregate classification.

Ambry Genetics
Classification: Likely benign for Hereditary cancer-predisposing syndrome. Last evaluated: 2014-09-18. Review status: criteria provided, single submitter. Criteria: Ambry Variant Classification Scheme 2023. Collection method: clinical testing. Allele origin: germline. Not counted in ClinVar's aggregate classification.

NM_000059.4(BRCA2):c.8427C>T (p.Phe2809=)

Gene: BRCA2 (BRCA2 DNA repair associated; plus strand). Cytogenetic location: 13q13.1.
Variant type: single nucleotide variant.
Coding change: c.8427C>T on transcript NM_000059.4 (MANE Select); coding-DNA position 8427, C replaced by T.
Protein change: p.Phe2809=; no amino-acid change (phenylalanine 2809 retained).
Molecular consequence: synonymous variant.
Genome position (GRCh38, 1-based): chr13:32,370,497, C>T. VCF-style: chr13-32370497-C-T. GRCh37 (hg19) VCF-style: chr13-32944634-C-T.
Identifiers: ClinVar variation 186455 (VCV000186455.23), dbSNP rs786202966, ClinGen allele CA025639.
Genomic context (GRCh38, chr13:32,370,497, plus strand): 5'-TACCAAACTTGGATTCTTTCCTGACCCTAGACCTTTTCCTCTGCCCTTATCATCGCTTTT[C>T]AGTGATGGAGGAAATGTTGGTTGTGTTGATGTAATTATTCAAAGAGCATACCCTATACAG-3'
Protein context (NP_000050.3, residues 2799-2819): RPFPLPLSSL[Phe2809=]SDGGNVGCVD